The following is an entry in ClinVar:

ClinVar aggregate classification (germline): Uncertain significance (1 of 4 stars; one submission).

Conditions:
Charcot-Marie-Tooth disease type 4. Also called: Charcot-Marie-Tooth disease, type IV; Charcot-Marie-Tooth, Type 4. Identifiers: Orphanet 64749, MedGen C4082197, MONDO:0018995.

Allele frequency attached by ClinVar (database versions not stated): gnomAD exomes below 0.00001; gnomAD 0.00002; TOPMed 0.00002.
gnomAD v4.1: 5 of 1,614,008 alleles (0.00031%); highest among the groups gnomAD compares: Non-Finnish European, 0.00042%; no homozygotes.

Submission:

Labcorp Genetics (formerly Invitae), Labcorp
Classification: Uncertain significance for Charcot-Marie-Tooth disease type 4. Last evaluated: 2022-03-29. Review status: criteria provided, single submitter. Criteria: Invitae Variant Classification Sherloc (09022015). Collection method: clinical testing. Allele origin: germline.
Comment: This sequence change replaces alanine, which is neutral and non-polar, with glycine, which is neutral and non-polar, at codon 7 of the FGD4 protein (p.Ala7Gly). This variant is not present in population databases (gnomAD no frequency). This variant has not been reported in the literature in individuals affected with FGD4-related conditions. ClinVar contains an entry for this variant (Variation ID: 944460). Algorithms developed to predict the effect of missense changes on protein structure and function are either unavailable or do not agree on the potential impact of this missense change (SIFT: "Deleterious"; PolyPhen-2: "Benign"; Align-GVGD: "Class C0"). In summary, the available evidence is currently insufficient to determine the role of this variant in disease. Therefore, it has been classified as a Variant of Uncertain Significance.

NM_001370298.3(FGD4):c.431C>G (p.Ala144Gly)

Gene: FGD4 (FYVE, RhoGEF and PH domain containing 4; plus strand). Cytogenetic location: 12p11.21.
Variant type: single nucleotide variant.
Coding change: c.431C>G on transcript NM_001370298.3 (MANE Select); coding-DNA position 431, C replaced by G.
Protein change: p.Ala144Gly; replaces alanine 144 with glycine.
Molecular consequence: missense variant. On other transcripts: 5 prime UTR variant (2), intron variant (4).
Genome position (GRCh38, 1-based): chr12:32,576,377, C>G. VCF-style: chr12-32576377-C-G. GRCh37 (hg19) VCF-style: chr12-32729311-C-G.
Other names: c.275C>G, p.Ala92Gly (NM_001304481.2); c.-825C>G (NM_001304483.2); c.-1132C>G (NM_001304484.2); c.431C>G, p.Ala144Gly (NM_001384126.1); c.20C>G, p.Ala7Gly (NM_001384127.1, NM_001384128.1, NM_001384131.1 and 3 more transcripts); c.-187-5583C>G (NM_001330374.2, NM_001330373.2, NM_001384130.1); c.48+12088C>G (NM_001370297.1); short protein forms A7G, A92G, A144G.
Identifiers: ClinVar variation 944460 (VCV000944460.7), dbSNP rs1161650860, ClinGen allele CA384355329.
Genomic context (GRCh38, chr12:32,576,377, plus strand): 5'-AAACCCCCAGGCATAAAGCTTTACCTAGTGCAAAACCAAGGATGGAGGAAATTAAACCTG[C>G]CTCTGCTTCTTGTGTCTCAAAAGAAAAACCCAGTAAGGTATCAGATCTCATCAGTCGCTT-3'
Protein context (NP_001357227.2, residues 134-154): AKPRMEEIKP[Ala144Gly]SASCVSKEKP